The following is an entry in ClinVar:

ClinVar aggregate classification (germline): Pathogenic (1 of 4 stars; one submission).

Conditions:
Glucocorticoid deficiency with achalasia (AAAS). Also called: ALACRIMA-ACHALASIA-ADRENAL INSUFFICIENCY NEUROLOGIC DISORDER; AAA syndrome; Allgrove syndrome; Addisonian achalasia syndrome; Achalasia-addisonianism-alacrimia syndrome; Alacrima-achalasia-addisonianism. Identifiers: Orphanet 869, MedGen C0271742, MONDO:0009279, OMIM 231550.

Submission:

Women's Health and Genetics/Laboratory Corporation of America, LabCorp
Classification: Pathogenic for Glucocorticoid deficiency with achalasia. Last evaluated: 2024-09-23. Review status: criteria provided, single submitter. Criteria: LabCorp Variant Classification Summary - May 2015. Collection method: clinical testing. Allele origin: germline.
Comment: Variant summary: AAAS c.1007G>A (p.Trp336X) results in a premature termination codon, predicted to cause absence of the protein due to nonsense mediated decay, which is a commonly known mechanism for disease. The frequency data for this variant in gnomAD is considered unreliable, as metrics indicate poor data quality at this position. To our knowledge, no occurrence of c.1007G>A in individuals affected with Glucocorticoid Deficiency With Achalasia and no experimental evidence demonstrating its impact on protein function have been reported. No submitters have cited clinical-significance assessments for this variant to ClinVar. Based on the evidence outlined above, the variant was classified as pathogenic.

NM_015665.6(AAAS):c.1007G>A (p.Trp336Ter)

Gene: AAAS (aladin WD repeat nucleoporin; minus strand). Cytogenetic location: 12q13.13.
Variant type: single nucleotide variant.
Coding change: c.1007G>A on transcript NM_015665.6 (MANE Select); coding-DNA position 1007, G replaced by A.
Protein change: p.Trp336Ter; replaces tryptophan 336 with a stop codon.
Molecular consequence: nonsense.
Genome position (GRCh38, 1-based): chr12:53,308,805, C>T on the plus strand (G>A on the coding strand, the complement: AAAS is on the minus strand). VCF-style: chr12-53308805-C-T. GRCh37 (hg19) VCF-style: chr12-53702589-C-T.
Other names: c.908G>A, p.Trp303Ter (NM_001173466.2); short protein forms W303*, W336*.
Identifiers: ClinVar variation 3375307 (VCV003375307.1).